The following is an entry in ClinVar:

ClinVar aggregate classification (germline): Uncertain significance (1 of 4 stars; one submission).

Allele frequency attached by ClinVar (database versions not stated): gnomAD exomes below 0.00001.
gnomAD v4.1: 2 of 1,613,954 alleles (0.00012%); highest among the groups gnomAD compares: Non-Finnish European, 0.00017%; no homozygotes.

Submission:

Labcorp Genetics (formerly Invitae), Labcorp
Classification: Uncertain significance. Last evaluated: 2022-08-27. Review status: criteria provided, single submitter. Criteria: Invitae Variant Classification Sherloc (09022015). Collection method: clinical testing. Allele origin: germline.
Comment: This sequence change replaces glycine, which is neutral and non-polar, with arginine, which is basic and polar, at codon 704 of the ADAMTS18 protein (p.Gly704Arg). This variant is not present in population databases (gnomAD no frequency). This variant has not been reported in the literature in individuals affected with ADAMTS18-related conditions. Algorithms developed to predict the effect of missense changes on protein structure and function are either unavailable or do not agree on the potential impact of this missense change (SIFT: "Not Available"; PolyPhen-2: "Probably Damaging"; Align-GVGD: "Not Available"). Algorithms developed to predict the effect of sequence changes on RNA splicing suggest that this variant may disrupt the consensus splice site. In summary, the available evidence is currently insufficient to determine the role of this variant in disease. Therefore, it has been classified as a Variant of Uncertain Significance.

NM_199355.4(ADAMTS18):c.2110G>A (p.Gly704Arg)

Gene: ADAMTS18 (ADAM metallopeptidase with thrombospondin type 1 motif 18; minus strand). Cytogenetic location: 16q23.1.
Variant type: single nucleotide variant.
Coding change: c.2110G>A on transcript NM_199355.4 (MANE Select); coding-DNA position 2110, G replaced by A.
Protein change: p.Gly704Arg; replaces glycine 704 with arginine.
Molecular consequence: missense variant.
Genome position (GRCh38, 1-based): chr16:77,322,389, C>T on the plus strand (G>A on the coding strand, the complement: ADAMTS18 is on the minus strand). VCF-style: chr16-77322389-C-T. GRCh37 (hg19) VCF-style: chr16-77356286-C-T.
Other names: c.1594G>A, p.Gly532Arg (NM_001326358.2); short protein forms G532R, G704R.
Identifiers: ClinVar variation 2132406 (VCV002132406.1), dbSNP rs2056017907, ClinGen allele CA396828545.
Genomic context (GRCh38, chr16:77,322,389, plus strand): 5'-CTCTTACTTCACAAACCCCGTCAATACAAACATCATTTTTGTTTGGGGAGCAGGGAGTTC[C>T]ATCTTTCACTTTGCCGGACATTGCAAAAAAAAATTCAAAGTTCTCAGCCTTGCAGTACAG-3'
Protein context (NP_955387.1, residues 694-714): FFAMSGKVKD[Gly704Arg]TPCSPNKNDV